The following is an entry in ClinVar:

NM_002834.5(PTPN11):c.1596G>A (p.Glu532=)

Gene: PTPN11 (protein tyrosine phosphatase non-receptor type 11; plus strand). Cytogenetic location: 12q24.13.
Variant type: single nucleotide variant.
Coding change: c.1596G>A on transcript NM_002834.5 (MANE Select); coding-DNA position 1596, G replaced by A.
Protein change: p.Glu532=; no amino-acid change (glutamic acid 532 retained).
Molecular consequence: synonymous variant.
Genome position (GRCh38, 1-based): chr12:112,489,172, G>A. VCF-style: chr12-112489172-G-A. GRCh37 (hg19) VCF-style: chr12-112926976-G-A.
Other names: c.1608G>A, p.Glu536= (NM_001330437.2); c.1593G>A, p.Glu531= (NM_001374625.1).
Identifiers: ClinVar variation 3898460 (VCV003898460.8).

ClinVar aggregate classification (germline): Likely benign. Review status: criteria provided, multiple submitters, no conflicts (2 of 4 stars). 2 submissions from 2 submitters: Likely benign (2). Last evaluated 2026-09-01.

Conditions:
Cardiovascular phenotype. Identifiers: MedGen CN230736.

Submissions (2):

CeGaT Center for Human Genetics Tuebingen
Classification: Likely benign. Last evaluated: 2026-09-01. Review status: criteria provided, single submitter. Criteria: CeGaT Center For Human Genetics Tuebingen Variant Classification Criteria Version 2. Collection method: clinical testing. Allele origin: germline. Affected: yes. Observed: 8 variant alleles.
Comment: PTPN11: PM2:Supporting, BP4, BP7

Ambry Genetics
Classification: Likely benign for Cardiovascular phenotype. Last evaluated: 2026-05-24. Review status: criteria provided, single submitter. Criteria: Ambry Variant Classification Scheme 2023. Collection method: clinical testing. Allele origin: germline.